The following is an entry in ClinVar:

NM_002734.5(PRKAR1A):c.396T>G (p.Ile132Met)

Gene: PRKAR1A (protein kinase cAMP-dependent type I regulatory subunit alpha; plus strand). Cytogenetic location: 17q24.2.
Variant type: single nucleotide variant.
Coding change: c.396T>G on transcript NM_002734.5 (MANE Select); coding-DNA position 396, T replaced by G.
Protein change: p.Ile132Met; replaces isoleucine 132 with methionine.
Molecular consequence: missense variant.
Genome position (GRCh38, 1-based): chr17:68,523,772, T>G. VCF-style: chr17-68523772-T-G. GRCh37 (hg19) VCF-style: chr17-66519913-T-G.
Other names: c.396T>G, p.Ile132Met (NM_001276289.2, NM_001276290.1, NM_001278433.2 and 4 more transcripts); short protein forms I132M.
Identifiers: ClinVar variation 5027329 (VCV005027329.1).

ClinVar aggregate classification (germline): Uncertain significance (1 of 4 stars; one submission).

Conditions:
Hereditary cancer-predisposing syndrome. Also called: Neoplastic Syndromes, Hereditary; Tumor predisposition; Hereditary neoplastic syndrome; Hereditary Cancer Syndrome. Identifiers: Orphanet 140162, MedGen C0027672, MeSH D009386, MONDO:0015356.

Submission:

Ambry Genetics
Classification: Uncertain significance for Hereditary cancer-predisposing syndrome. Last evaluated: 2026-07-07. Review status: criteria provided, single submitter. Criteria: Ambry Variant Classification Scheme 2023. Collection method: clinical testing. Allele origin: germline.
Comment: The p.I132M variant (also known as c.396T>G), located in coding exon 3 of the PRKAR1A gene, results from a T to G substitution at nucleotide position 396. The isoleucine at codon 132 is replaced by methionine, an amino acid with highly similar properties. This amino acid position is conserved. In addition, this alteration is predicted to be deleterious by in silico analysis. Based on the available evidence, the clinical significance of this variant remains unclear.